The following is an entry in ClinVar:

NM_201384.3(PLEC):c.5629C>G (p.Arg1877Gly)

Gene: PLEC (plectin; minus strand). Cytogenetic location: 8q24.3.
Variant type: single nucleotide variant.
Coding change: c.5629C>G on transcript NM_201384.3 (MANE Select); coding-DNA position 5629, C replaced by G.
Protein change: p.Arg1877Gly; replaces arginine 1877 with glycine.
Molecular consequence: missense variant.
Genome position (GRCh38, 1-based): chr8:143,924,300, G>C on the plus strand (C>G on the coding strand, the complement: PLEC is on the minus strand). VCF-style: chr8-143924300-G-C. GRCh37 (hg19) VCF-style: chr8-144998468-G-C.
Other names: c.5710C>G, p.Arg1904Gly (NM_000445.5); c.5587C>G, p.Arg1863Gly (NM_201378.4); c.5563C>G, p.Arg1855Gly (NM_201379.3); c.6040C>G, p.Arg2014Gly (NM_201380.4); c.5533C>G, p.Arg1845Gly (NM_201381.3); c.5629C>G, p.Arg1877Gly (NM_201382.4); c.5641C>G, p.Arg1881Gly (NM_201383.3); short protein forms R1881G, R1904G, R1863G, R1877G, R2014G, R1845G, R1855G.
Identifiers: ClinVar variation 2045603 (VCV002045603.4), dbSNP rs781887510, ClinGen allele CA372543103.
Genomic context (GRCh38, chr8:143,924,300, plus strand): 5'-GGGCCAGGCGCTCCTCGATGTCAGCCTTGTGTTGCGCGGCCTGCTCCTCCAGCCGCCGCC[G>C]CTGGAAGGCCTCGTCCTCCGCCAGCCGCCGCAGGCGCTCGTTCTCCGCCTCCTTCTCCTT-3'
Protein context (NP_958786.1, residues 1867-1887): RRLAEDEAFQ[Arg1877Gly]RRLEEQAAQH

ClinVar aggregate classification (germline): Uncertain significance (1 of 4 stars; one submission).

Conditions:
Epidermolysis bullosa simplex 5B, with muscular dystrophy (EBS5B). Also called: Epidermolysis bullosa simplex with muscular dystrophy; EPIDERMOLYSIS BULLOSA SIMPLEX AND LIMB-GIRDLE MUSCULAR DYSTROPHY. Identifiers: Orphanet 257, MedGen C2931072, MONDO:0009181, OMIM 226670.
Epidermolysis bullosa simplex, Ogna type (EBS5A). Also called: Pidermolysis bullosa simplex 5A, Ogna type; EPIDERMOLYSIS BULLOSA SIMPLEX 5A, OGNA TYPE. Identifiers: Orphanet 79401, MedGen C0432317, MONDO:0007555, OMIM 131950.
Epidermolysis bullosa simplex 5C, with pyloric atresia (EBS5C). Also called: PLEC-Related Epidermolysis Bullosa with Pyloric Atresia; Epidermolysis bullosa simplex with pyloric atresia; PLEC1-Related Epidermolysis Bullosa with Pyloric Atresia. Identifiers: Orphanet 158684, MedGen C2677349, MONDO:0012807, OMIM 612138.
Autosomal recessive limb-girdle muscular dystrophy type 2Q (LGMDR17). Also called: MUSCULAR DYSTROPHY, LIMB-GIRDLE, AUTOSOMAL RECESSIVE 17. Identifiers: Orphanet 254361, MedGen C3150989, MONDO:0013390, OMIM 613723.
Epidermolysis bullosa simplex with nail dystrophy (EBS5D). Identifiers: MedGen C4225309, MONDO:0014661, OMIM 616487.

Submission:

Labcorp Genetics (formerly Invitae), Labcorp
Classification: Uncertain significance for Autosomal recessive limb-girdle muscular dystrophy type 2Q; Epidermolysis bullosa simplex, Ogna type; Epidermolysis bullosa simplex with nail dystrophy; Epidermolysis bullosa simplex 5C, with pyloric atresia; Epidermolysis bullosa simplex 5B, with muscular dystrophy. Last evaluated: 2024-10-29. Review status: criteria provided, single submitter. Criteria: Invitae Variant Classification Sherloc (09022015). Collection method: clinical testing. Allele origin: germline.
Comment: This sequence change replaces arginine, which is basic and polar, with glycine, which is neutral and non-polar, at codon 1904 of the PLEC protein (p.Arg1904Gly). This variant is not present in population databases (gnomAD no frequency). This variant has not been reported in the literature in individuals affected with PLEC-related conditions. ClinVar contains an entry for this variant (Variation ID: 2045603). Experimental studies and prediction algorithms are not available or were not evaluated, and the functional significance of this variant is currently unknown. In summary, the available evidence is currently insufficient to determine the role of this variant in disease. Therefore, it has been classified as a Variant of Uncertain Significance.